The following is an entry in ClinVar:

ClinVar aggregate classification (germline): Benign/Likely benign. Review status: criteria provided, multiple submitters, no conflicts (2 of 4 stars). 15 submissions from 15 submitters: Benign (7); Likely benign (4). 4 of the submissions do not count toward it. Last evaluated 2026-02-03.

Conditions:
Becker muscular dystrophy (BMD). Also called: MUSCULAR DYSTROPHY, PSEUDOHYPERTROPHIC PROGRESSIVE, BECKER TYPE; Becker Muscular Dystrophy (BMD). Identifiers: Orphanet 98895, MedGen C0917713, MONDO:0010311, OMIM 300376.
Duchenne muscular dystrophy (DMD). Also called: Duchenne Muscular Dystrophy (DMD); MUSCULAR DYSTROPHY, PSEUDOHYPERTROPHIC PROGRESSIVE, DUCHENNE TYPE. Identifiers: Orphanet 98896, MedGen C0013264, MONDO:0010679, OMIM 310200.
Cardiomyopathy (CMYO). Also called: Cardiomyopathies. Identifiers: Orphanet 167848, MedGen C0878544, MONDO:0004994, HP:0001638. Inheritance: Various modes of inheritance.
Dystrophin deficiency.
Dilated cardiomyopathy 3B (CMD3B). Also called: CMD3B: DMD-Related Dilated Cardiomyopathy; CARDIOMYOPATHY, DILATED, X-LINKED; DMD-Associated Dilated Cardiomyopathy. Identifiers: Orphanet 154, MedGen C3668940, MONDO:0010542, OMIM 302045.

Allele frequency attached by ClinVar (database versions not stated): gnomAD 0.00410 and 0.00407; 1000 Genomes Project 30x 0.00416; TOPMed 0.00461; ESP Exome Variant Server 0.00521; gnomAD exomes 0.00621 and 0.00384; 1000 Genomes Project 0.00318; ExAC 0.00394.
gnomAD v4.1: 7,144 of 1,193,378 alleles (0.6%); highest among the groups gnomAD compares: Non-Finnish European, 0.74%; 28 homozygotes.

Submissions (16):

Labcorp Genetics (formerly Invitae), Labcorp
Classification: Benign for Duchenne muscular dystrophy. Last evaluated: 2026-02-03. Review status: criteria provided, single submitter. Criteria: Invitae Variant Classification Sherloc (09022015). Collection method: clinical testing. Allele origin: germline.

ARUP Laboratories, Molecular Genetics and Genomics, ARUP Laboratories
Classification: Benign. Last evaluated: 2025-07-15. Review status: criteria provided, single submitter. Criteria: ARUP Molecular Germline Variant Investigation Process 2024. Collection method: clinical testing. Allele origin: germline.

Blueprint Genetics
Classification: Likely benign. Last evaluated: 2024-11-27. Review status: criteria provided, single submitter. Criteria: ACMG Guidelines, 2015. Collection method: clinical testing. Allele origin: germline.

Fulgent Genetics
Classification: Likely benign for Becker muscular dystrophy; Dilated cardiomyopathy 3B; Duchenne muscular dystrophy. Last evaluated: 2021-07-27. Review status: criteria provided, single submitter. Criteria: ACMG Guidelines, 2015. Collection method: clinical testing. Allele origin: unknown.

Women's Health and Genetics/Laboratory Corporation of America, LabCorp
Classification: Benign. Last evaluated: 2020-03-12. Review status: criteria provided, single submitter. Criteria: LabCorp Variant Classification Summary - May 2015. Collection method: clinical testing. Allele origin: germline.
Comment: Variant summary: DMD c.7542+13A>G alters a non-conserved nucleotide located close to a canonical splice site and therefore could affect mRNA splicing, leading to a significantly altered protein sequence. 4/4 computational tools predict no significant impact on normal splicing. However, these predictions have yet to be confirmed by functional studies. The variant allele was found at a frequency of 0.0038 in 181738 control chromosomes in the gnomAD database, including 1 homozygote and 271 hemizygotes. The observed variant frequency is at least 348-fold of the estimated maximal expected allele frequency for a pathogenic variant in DMD causing Dystrophinopathies phenotype, strongly suggesting that the variant is benign. Three ClinVar submitters (evaluation after 2014) cite the variant as benign. Based on the evidence outlined above, the variant was classified as benign.

Eurofins Ntd Llc (ga)
Classification: Benign. Last evaluated: 2018-02-13. Review status: criteria provided, single submitter. Criteria: EGL ClinVar v180209 classification definitions. Collection method: clinical testing. Allele origin: germline. Observed: 9 variant alleles, 5 heterozygotes, 4 hemizygotes.

Illumina Laboratory Services, Illumina
Classification: Likely benign for Dilated cardiomyopathy 3B. Last evaluated: 2018-01-12. Review status: criteria provided, single submitter. Criteria: ICSL Variant Classification Criteria 13 December 2019. Collection method: clinical testing. Allele origin: germline.
Comment: This variant was observed in the ICSL laboratory as part of a predisposition screen in an ostensibly healthy population. It had not been previously curated by ICSL or reported in the Human Gene Mutation Database (HGMD: prior to June 1st, 2018), and was therefore a candidate for classification through an automated scoring system. Utilizing variant allele frequency, disease prevalence and penetrance estimates, and inheritance mode, an automated score was calculated to assess if this variant is too frequent to cause the disease. Based on the score and internal cut-off values, a variant classified as likely benign is not then subjected to further curation. The score for this variant resulted in a classification of likely benign for this disease.

Laboratory for Molecular Medicine, Mass General Brigham Personalized Medicine
Classification: Benign. Last evaluated: 2015-01-13. Review status: criteria provided, single submitter. Criteria: LMM Criteria. Collection method: clinical testing. Allele origin: germline. Observed: 6 variant alleles.
Comment: c.7542+13A>G in intron 51 of DMD: This variant is not expected to have clinical significance because it is not located within the conserved splice consensus seq uence. It has been identified in 0.8% (51/6728) of European American chromosomes from a broad population by the NHLBI Exome Sequencing Project (dbSNP rs72466585).

GeneDx
Classification: Benign. Last evaluated: 2014-04-19. Review status: criteria provided, single submitter. Criteria: GeneDx Variant Classification (06012015). Collection method: clinical testing. Allele origin: germline. Affected: yes.
Comment: This variant is considered likely benign or benign based on one or more of the following criteria: it is a conservative change, it occurs at a poorly conserved position in the protein, it is predicted to be benign by multiple in silico algorithms, and/or has population frequency not consistent with disease.

Breakthrough Genomics
Classification: Likely benign. Review status: criteria provided, single submitter. Criteria: ACMG Guidelines, 2015. Collection method: not provided. Allele origin: germline. Inheritance: X-linked inheritance. Affected: yes.

PreventionGenetics, part of Exact Sciences
Classification: Benign. Review status: criteria provided, single submitter. Criteria: ACMG Guidelines, 2015. Collection method: clinical testing. Allele origin: germline.

Natera, Inc.
Classification: Benign for Becker muscular dystrophy; Cardiomyopathy; Duchenne muscular dystrophy; Dystrophin deficiency. Last evaluated: 2018-04-11. Review status: no assertion criteria provided. Collection method: clinical testing. Allele origin: germline. Not counted in ClinVar's aggregate classification.

Diagnostic Laboratory, Department of Genetics, University Medical Center Groningen
Classification: Likely benign. Review status: no assertion criteria provided. Collection method: clinical testing. Allele origin: germline. Affected: yes. Study: VKGL Data-share Consensus. Not counted in ClinVar's aggregate classification.

Dr. Peter K. Rogan Lab, Western University
No classification provided (evidence only). Condition: Lung cancer. Review status: no classification provided. Collection method: in vitro. Allele origin: not applicable. Functional consequence: retained intron. Not counted in ClinVar's aggregate classification.

Genome Diagnostics Laboratory, University Medical Center Utrecht
Classification: Benign. Review status: no assertion criteria provided. Collection method: clinical testing. Allele origin: germline. Affected: yes. Study: VKGL Data-share Consensus. Not counted in ClinVar's aggregate classification.

Laboratory of Diagnostic Genome Analysis, Leiden University Medical Center (LUMC)
Classification: Benign. Review status: no assertion criteria provided. Collection method: clinical testing. Allele origin: germline. Affected: yes. Study: VKGL Data-share Consensus. Not counted in ClinVar's aggregate classification.

NM_004006.3(DMD):c.7542+13A>G

Gene: DMD (dystrophin; minus strand). Cytogenetic location: Xp21.1.
Variant type: single nucleotide variant.
Coding change: c.7542+13A>G on transcript NM_004006.3 (MANE Select); 13 bases into the intron after coding-DNA position 7542, A replaced by G.
Molecular consequence: intron variant.
Genome position (GRCh38, 1-based): chrX:31,773,947, T>C on the plus strand (A>G on the coding strand, the complement: DMD is on the minus strand). VCF-style: chrX-31773947-T-C. GRCh37 (hg19) VCF-style: chrX-31792064-T-C.
Other names: c.7518+13A>G (NM_000109.4); c.3519+13A>G (NM_004011.4); c.3510+13A>G (NM_004012.4); c.162+13A>G (NM_004023.3, NM_004020.4, NM_004022.3 and 2 more transcripts); c.7530+13A>G (NM_004009.3); c.7173+13A>G (NM_004010.3).
Identifiers: ClinVar variation 94767 (VCV000094767.41), dbSNP rs72466585, ClinGen allele CA295454.